The following is an entry in ClinVar:

NM_000760.4(CSF3R):c.1325C>T (p.Pro442Leu)

Gene: CSF3R (colony stimulating factor 3 receptor; minus strand). Cytogenetic location: 1p34.3.
Variant type: single nucleotide variant.
Coding change: c.1325C>T on transcript NM_000760.4 (MANE Select); coding-DNA position 1325, C replaced by T.
Protein change: p.Pro442Leu; replaces proline 442 with leucine.
Molecular consequence: missense variant.
Genome position (GRCh38, 1-based): chr1:36,469,801, G>A on the plus strand (C>T on the coding strand, the complement: CSF3R is on the minus strand). VCF-style: chr1-36469801-G-A. GRCh37 (hg19) VCF-style: chr1-36935402-G-A.
Other names: c.1325C>T, p.Pro442Leu (NM_156039.3, NM_172313.3); short protein forms P442L.
Identifiers: ClinVar variation 1056474 (VCV001056474.12), dbSNP rs948001842, ClinGen allele CA20744514.

ClinVar aggregate classification (germline): Uncertain significance. Review status: criteria provided, multiple submitters, no conflicts (2 of 4 stars). 4 submissions from 4 submitters: Uncertain significance (4). Last evaluated 2026-08-03.

Conditions:
Autosomal recessive severe congenital neutropenia due to CSF3R deficiency. Also called: Neutropenia, severe congenital, 7, autosomal recessive. Identifiers: Orphanet 420702, MedGen C4310764, MONDO:0014865, OMIM 617014.
Inborn genetic diseases. Identifiers: MedGen C0950123, MeSH D030342.

Allele frequency attached by ClinVar (database versions not stated): TOPMed 0.00001; gnomAD 0.00002; gnomAD exomes 0.00001.
gnomAD v4.1: 13 of 1,614,024 alleles (0.00081%); highest among the groups gnomAD compares: Admixed American, 0.022%; no homozygotes.

Submissions (4):

Ambry Genetics
Classification: Uncertain significance for Inborn genetic diseases. Last evaluated: 2026-08-03. Review status: criteria provided, single submitter. Criteria: Ambry Variant Classification Scheme 2023. Collection method: clinical testing. Allele origin: germline.

Labcorp Genetics (formerly Invitae), Labcorp
Classification: Uncertain significance for Autosomal recessive severe congenital neutropenia due to CSF3R deficiency. Last evaluated: 2024-04-07. Review status: criteria provided, single submitter. Criteria: Invitae Variant Classification Sherloc (09022015). Collection method: clinical testing. Allele origin: germline.
Comment: This sequence change replaces proline, which is neutral and non-polar, with leucine, which is neutral and non-polar, at codon 442 of the CSF3R protein (p.Pro442Leu). This variant is not present in population databases (gnomAD no frequency). This variant has not been reported in the literature in individuals affected with CSF3R-related conditions. ClinVar contains an entry for this variant (Variation ID: 1056474). Algorithms developed to predict the effect of missense changes on protein structure and function output the following: SIFT: "Not Available"; PolyPhen-2: "Benign"; Align-GVGD: "Not Available". The leucine amino acid residue is found in multiple mammalian species, which suggests that this missense change does not adversely affect protein function. In summary, the available evidence is currently insufficient to determine the role of this variant in disease. Therefore, it has been classified as a Variant of Uncertain Significance.

Blueprint Genetics
Classification: Uncertain significance. Last evaluated: 2022-09-07. Review status: criteria provided, single submitter. Criteria: ACMG Guidelines, 2015. Collection method: clinical testing. Allele origin: germline.

Genetic Services Laboratory, University of Chicago
Classification: Uncertain significance. Last evaluated: 2020-04-10. Review status: criteria provided, single submitter. Criteria: ACMG Guidelines, 2015. Collection method: clinical testing. Allele origin: germline. Affected: no.
Comment: DNA sequence analysis of the CSF3R gene demonstrated a sequence change, c.1325C>T, in exon 11 that results in an amino acid change, p.Pro442Leu. This sequence change does not appear to have been previously described in patients with CSF3R-related disorders and has also not been described in population databases (gnomAD, ExAC). The p.Pro442Leu change affects a poorly conserved amino acid residue located in a domain of the CSF3R protein that is known to be functional. The p.Pro442Leu substitution appears to be benign using several in-silico pathogenicity prediction tools (SIFT, PolyPhen2, Align GVGD, REVEL). Due to these contrasting evidences and the lack of functional studies, the clinical significance of the p.Pro442Leu change remains unknown at this time.